The following is an entry in ClinVar:

ClinVar aggregate classification (germline): Uncertain significance (1 of 4 stars; one submission).

Conditions:
Cardiovascular phenotype. Identifiers: MedGen CN230736.

Submission:

Ambry Genetics
Classification: Uncertain significance for Cardiovascular phenotype. Last evaluated: 2023-01-11. Review status: criteria provided, single submitter. Criteria: Ambry Variant Classification Scheme 2023. Collection method: clinical testing. Allele origin: germline.
Comment: The p.E583A variant (also known as c.1748A>C), located in coding exon 10 of the SOS1 gene, results from an A to C substitution at nucleotide position 1748. The glutamic acid at codon 583 is replaced by alanine, an amino acid with dissimilar properties. This amino acid position is conserved. In addition, this alteration is predicted to be tolerated by in silico analysis. Since supporting evidence is limited at this time, the clinical significance of this alteration remains unclear.

NM_005633.4(SOS1):c.1748A>C (p.Glu583Ala)

Gene: SOS1 (SOS Ras/Rac guanine nucleotide exchange factor 1; minus strand). Cytogenetic location: 2p22.1.
Variant type: single nucleotide variant.
Coding change: c.1748A>C on transcript NM_005633.4 (MANE Select); coding-DNA position 1748, A replaced by C.
Protein change: p.Glu583Ala; replaces glutamic acid 583 with alanine.
Molecular consequence: missense variant.
Genome position (GRCh38, 1-based): chr2:39,022,680, T>G on the plus strand (A>C on the coding strand, the complement: SOS1 is on the minus strand). VCF-style: chr2-39022680-T-G. GRCh37 (hg19) VCF-style: chr2-39249821-T-G.
Other names: c.1727A>C, p.Glu576Ala (NM_001382394.1); c.1748A>C, p.Glu583Ala (NM_001382395.1); short protein forms E576A, E583A.
Identifiers: ClinVar variation 2453698 (VCV002453698.2), dbSNP rs2529034521, ClinGen allele CA346365475.
Genomic context (GRCh38, chr2:39,022,680, plus strand): 5'-GCTTTGATAATTGGAATTCCAGCCTTGGGCTGCATGTTCTCTTCAAATATAATATTCTCT[T>G]CAGAGTCAGGCTCTGCAAATCTATAAACATCAGCACTAGGCAGCCTCATCTGCTCCTCTT-3'
Protein context (NP_005624.2, residues 573-593): DVYRFAEPDS[Glu583Ala]ENIIFEENMQ